The following is an entry in ClinVar:

ClinVar aggregate classification (germline): Pathogenic/Likely pathogenic. Review status: criteria provided, multiple submitters, no conflicts (2 of 4 stars). 2 submissions from 2 submitters: Pathogenic (1); Likely pathogenic (1). Last evaluated 2024-09-20.

Conditions:
Salla disease (SD). Also called: Sialuria, Finnish type; N-acetylneuraminic acid (NANA) storage disease (NSD); Infantile sialic acid storage disorder (ISSD); Less Severe FSASD (Salla Disease). Identifiers: Orphanet 309334, Orphanet 834, MedGen C1096903, MONDO:0011449, OMIM 604369.
Sialic acid storage disease, severe infantile type (ISSD). Also called: INFANTILE SIALIC ACID STORAGE DISORDER; Free sialic acid storage disease, infantile form; Infantile Sialic Acid Storage Disease; N-ACETYLNEURAMINIC ACID STORAGE DISEASE; NANA STORAGE DISEASE; SIALURIA, INFANTILE FORM. Identifiers: Orphanet 309324, Orphanet 834, MedGen C1096902, MONDO:0010027, OMIM 269920.

Submissions (2):

GeneDx
Classification: Likely pathogenic. Last evaluated: 2024-09-20. Review status: criteria provided, single submitter. Criteria: GeneDx Variant Classification Process June 2021. Collection method: clinical testing. Allele origin: germline. Affected: yes.
Comment: Nonsense variant predicted to result in protein truncation or nonsense mediated decay in a gene for which loss of function is a known mechanism of disease; Not observed at significant frequency in large population cohorts (gnomAD); This variant is associated with the following publications: (PMID: 32371413)

Institute for Genomic Medicine (IGM) Clinical Laboratory, Nationwide Children's Hospital
Classification: Pathogenic for Salla disease; Sialic acid storage disease, severe infantile type. Last evaluated: 2018-02-20. Review status: criteria provided, single submitter. Criteria: ACMG Guidelines, 2015. Collection method: clinical testing. Allele origin: germline. Affected: yes.
Comment: [ACMG/AMP: PVS1, PM2, PM3] This alteration is a null variant in a gene where LOF is a known mechanism of disease [PVS1], is absent from or rarely observed in large-scale population databases [PM2], is detected in trans with a known pathogenic variant [PM3].

NM_012434.5(SLC17A5):c.809T>A (p.Leu270Ter)

Gene: SLC17A5 (solute carrier family 17 member 5; minus strand). Cytogenetic location: 6q13.
Variant type: single nucleotide variant.
Coding change: c.809T>A on transcript NM_012434.5 (MANE Select); coding-DNA position 809, T replaced by A.
Protein change: p.Leu270Ter; replaces leucine 270 with a stop codon.
Molecular consequence: nonsense.
Genome position (GRCh38, 1-based): chr6:73,635,392, A>T on the plus strand (T>A on the coding strand, the complement: SLC17A5 is on the minus strand). VCF-style: chr6-73635392-A-T. GRCh37 (hg19) VCF-style: chr6-74345115-A-T.
Other names: c.578T>A, p.Leu193Ter (NM_001382629.1); c.809T>A, p.Leu270Ter (NM_001382630.1, NM_001382633.1, NM_001382634.1); c.830T>A, p.Leu277Ter (NM_001382631.1); c.722T>A, p.Leu241Ter (NM_001382632.1); c.806T>A, p.Leu269Ter (NM_001382635.1); c.491T>A, p.Leu164Ter (NM_001382636.1); short protein forms L164*, L193*, L241*, L269*, L270*, L277*.
Identifiers: ClinVar variation 973243 (VCV000973243.6), dbSNP rs1768947396, ClinGen allele CA364715752.